The following is an entry in ClinVar:

NM_000093.5(COL5A1):c.5141C>T (p.Ser1714Phe)

Genes: COL5A1 (collagen type V alpha 1 chain; plus strand), LOC101448202 (uncharacterized LOC101448202; minus strand). Cytogenetic location: 9q34.3.
Variant type: single nucleotide variant.
Coding change: c.5141C>T on transcript NM_000093.5 (MANE Select); coding-DNA position 5141, C replaced by T.
Protein change: p.Ser1714Phe; replaces serine 1714 with phenylalanine.
Molecular consequence: missense variant.
Genome position (GRCh38, 1-based): chr9:134,834,975, C>T. VCF-style: chr9-134834975-C-T. GRCh37 (hg19) VCF-style: chr9-137726821-C-T.
Other names: p.Ser1714Phe; c.5141C>T, p.Ser1714Phe (NM_001278074.1); short protein forms S1714F.
Identifiers: ClinVar variation 4541519 (VCV004541519.2).

ClinVar aggregate classification (germline): Conflicting classifications of pathogenicity. Review status: criteria provided, conflicting classifications (1 of 4 stars). 2 submissions from 2 submitters: Uncertain significance (1); Likely benign (1). Last evaluated 2025-06-06.

Conditions:
Ehlers-Danlos syndrome, classic type, 1 (EDSCL1). Also called: EHLERS-DANLOS SYNDROME, GRAVIS TYPE; EHLERS-DANLOS SYNDROME, SEVERE CLASSIC TYPE; Ehlers-Danlos syndrome, type 1; Ehlers-Danlos Syndrome, Classic Type, COL5A1-Related; EDS I. Identifiers: MedGen C0268335, MONDO:0019567, OMIM 130000.

Submissions (2):

Mayo Clinic Laboratories, Mayo Clinic
Classification: Uncertain significance. Last evaluated: 2025-06-06. Review status: criteria provided, single submitter. Criteria: ACMG Guidelines, 2015. Collection method: clinical testing. Allele origin: germline. Observed: 1 variant allele.
Comment: PP3, PM2_supporting

Labcorp Genetics (formerly Invitae), Labcorp
Classification: Likely benign for Ehlers-Danlos syndrome, classic type, 1. Last evaluated: 2025-04-28. Review status: criteria provided, single submitter. Criteria: Invitae Variant Classification Sherloc (09022015). Collection method: clinical testing. Allele origin: germline.

Literature cited by the submitters: PubMed 31239369 (cited by Mayo Clinic Laboratories, Mayo Clinic).